The following is an entry in ClinVar:

NM_000540.3(RYR1):c.13283_13287dup (p.Gly4430fs)

Genes: RYR1 (ryanodine receptor 1; plus strand), LOC130064357 (ATAC-STARR-seq lymphoblastoid silent region 10577; plus strand). Cytogenetic location: 19q13.2.
Variant type: Duplication.
Coding change: c.13283_13287dup on transcript NM_000540.3 (MANE Select); coding-DNA positions 13283 to 13287, 5 bases duplicated (AGGCC; older notation c.13283_13287dupAGGCC).
Protein change: p.Gly4430fs; shifts the reading frame from glycine 4430.
Molecular consequence: frameshift variant.
Genome position (GRCh38, 1-based): chr19:38,565,617-38,565,621, AGGCC duplicated. VCF-style (leftmost placement, unchanged base first): chr19-38565616-G-GAGGCC. GRCh37 (hg19) VCF-style: chr19-39056256-G-GAGGCC.
Other names: c.13268_13272dup, p.Gly4425fs (NM_001042723.2); short protein forms G4430fs, G4425fs.
Identifiers: ClinVar variation 4781923 (VCV004781923.1).
Genomic context (GRCh38, chr19:38,565,616, plus strand): 5'-GCCAGCGAGGGCGCTGGAGACGCCGCGGAGGGCGCTGGAGACGAGGAGGAGGCGGTGCAC[G>GAGGCC]AGGCCGGGCCGGGCGGTGCCGACGGGGCGGTGGCCGTGACCGATGGGGGCCCCTTCCGGC-3'

ClinVar aggregate classification (germline): Pathogenic (1 of 4 stars; one submission).

Conditions:
RYR1-related disorder. Also called: RYR1-related condition; RYR1-related disorders. Identifiers: MedGen CN239331.

Submission:

Labcorp Genetics (formerly Invitae), Labcorp
Classification: Pathogenic for RYR1-related disorder. Last evaluated: 2025-08-20. Review status: criteria provided, single submitter. Criteria: Invitae Variant Classification Sherloc (09022015). Collection method: clinical testing. Allele origin: germline.
Comment: This sequence change creates a premature translational stop signal (p.Gly4430Argfs*13) in the RYR1 gene. It is expected to result in an absent or disrupted protein product. Loss-of-function variants in RYR1 are known to be pathogenic (PMID: 23919265, 25960145, 28818389, 30611313). This variant is not present in population databases (gnomAD no frequency). This variant has not been reported in the literature in individuals affected with RYR1-related conditions. For these reasons, this variant has been classified as Pathogenic.

Literature cited by the submitters: PubMed 23919265; PubMed 25960145; PubMed 28818389; PubMed 30611313.